The following is an entry in ClinVar:

ClinVar aggregate classification (germline): Pathogenic (1 of 4 stars; one submission).

Conditions:
Kabuki syndrome 2 (KABUK2). Also called: KDM6A-Related Kabuki Syndrome. Identifiers: Orphanet 2322, MedGen C3275495, MONDO:0010465, OMIM 300867.

Submission:

Groupe Hospitalier Pitie Salpetriere, Uf Genomique Du Developpement, Assistance Publique Hopitaux de Paris Sorbonne Université
Classification: Pathogenic for Kabuki syndrome 2. Last evaluated: 2017-01-06. Review status: criteria provided, single submitter. Criteria: ACMG Guidelines, 2015. Collection method: clinical testing. Allele origin: de novo. Affected: yes. Observed: 1 variant allele.
Comment: cerebral ventriculomegaly in utero; Intellectual disability, moderate

Literature cited by the submitters: PubMed 28708303.

NM_001291415.2(KDM6A):c.2988+1G>C

Gene: KDM6A (lysine demethylase 6A; plus strand). Cytogenetic location: Xp11.3.
Variant type: single nucleotide variant.
Coding change: c.2988+1G>C on transcript NM_001291415.2 (MANE Select); the canonical splice donor site of the intron after coding-DNA position 2988, G replaced by C.
Molecular consequence: splice donor variant.
Genome position (GRCh38, 1-based): chrX:45,076,827, G>C. VCF-style: chrX-45076827-G-C. GRCh37 (hg19) VCF-style: chrX-44936072-G-C.
Other names: c.2730+1G>C (NM_001410742.1); c.2853+1G>C (NM_001291416.2); c.2697+1G>C (NM_001291417.2); c.2595+1G>C (NM_001291418.2); c.1944+1G>C (NM_001291421.2); c.2832+1G>C (NM_021140.4).
Identifiers: ClinVar variation 431139 (VCV000431139.3), dbSNP rs1135401809, ClinGen allele CA412799348.
Genomic context (GRCh38, chrX:45,076,827, plus strand): 5'-TCTTCACCATACCCTCCCTTGCCAAAGGACAAGTTGAATCCACCTACACCTAGTATTTAC[G>C]TGAGTCTGAATTGACTGACTAGAAATAAAACAGTGTTTGCAACTACCTGTCTTTCATAAA-3'